The following is an entry in ClinVar:

ClinVar aggregate classification (germline): Uncertain significance (1 of 4 stars; one submission).

Conditions:
Hereditary cancer-predisposing syndrome. Also called: Neoplastic Syndromes, Hereditary; Tumor predisposition; Hereditary Cancer Syndrome; Hereditary neoplastic syndrome. Identifiers: Orphanet 140162, MedGen C0027672, MeSH D009386, MONDO:0015356.

Submission:

Ambry Genetics
Classification: Uncertain significance for Hereditary cancer-predisposing syndrome. Last evaluated: 2026-02-23. Review status: criteria provided, single submitter. Criteria: Ambry Variant Classification Scheme 2023. Collection method: clinical testing. Allele origin: germline.
Comment: The p.R968T variant (also known as c.2903G>C), located in coding exon 20 of the TSC1 gene, results from a G to C substitution at nucleotide position 2903. The arginine at codon 968 is replaced by threonine, an amino acid with similar properties. This amino acid position is conserved. In addition, the in silico prediction for this alteration is inconclusive. Based on the available evidence, the clinical significance of this variant remains unclear.

NM_000368.5(TSC1):c.2903G>C (p.Arg968Thr)

Gene: TSC1 (TSC complex subunit 1; minus strand). Cytogenetic location: 9q34.13.
Variant type: single nucleotide variant.
Coding change: c.2903G>C on transcript NM_000368.5 (MANE Select); coding-DNA position 2903, G replaced by C.
Protein change: p.Arg968Thr; replaces arginine 968 with threonine.
Molecular consequence: missense variant. On other transcripts: non-coding transcript variant (5).
Genome position (GRCh38, 1-based): chr9:132,897,256, C>G on the plus strand (G>C on the coding strand, the complement: TSC1 is on the minus strand). VCF-style: chr9-132897256-C-G. GRCh37 (hg19) VCF-style: chr9-135772643-C-G.
Other names: c.2900G>C, p.Arg967Thr (NM_001162426.2, NM_001406600.1, NM_001406597.1 and 2 more transcripts); c.2888G>C, p.Arg963Thr (NM_001406601.1, NM_001406602.1); c.2885G>C, p.Arg962Thr (NM_001406603.1, NM_001406604.1); c.2861G>C, p.Arg954Thr (NM_001406605.1, NM_001406606.1, NM_001406607.1); c.2858G>C, p.Arg953Thr (NM_001406608.1, NM_001406609.1); c.2540G>C, p.Arg847Thr (NM_001406619.1, NM_001362177.2, NM_001406614.1 and 4 more transcripts); c.2537G>C, p.Arg846Thr (NM_001406620.1, NM_001406621.1, NM_001406622.1 and 1 more transcripts); c.2498G>C, p.Arg833Thr (NM_001406624.1); and 8 more; short protein forms R847T, R902T, R953T, R963T, R650T, R916T, R962T, R968T.
Identifiers: ClinVar variation 4825792 (VCV004825792.1).